The following is an entry in ClinVar:

ClinVar aggregate classification (germline): Conflicting classifications of pathogenicity. Review status: criteria provided, conflicting classifications (1 of 4 stars). 2 submissions from 2 submitters: Likely pathogenic (1); Uncertain significance (1). Last evaluated 2025-09-11.

Conditions:
Renal carnitine transport defect (CDSP). Also called: Systemic primary carnitine deficiency; Primary carnitine deficiency; CARNITINE DEFICIENCY, SYSTEMIC, DUE TO DEFECT IN RENAL REABSORPTION OF CARNITINE; CARNITINE TRANSPORTER, PLASMA-MEMBRANE, DEFICIENCY OF; CARNITINE UPTAKE DEFECT; Systemic primary carnitine deficiency disease. Identifiers: Orphanet 158, MedGen C0342788, MONDO:0008919, OMIM 212140.
Carnitine deficiency. Identifiers: MedGen C1142132.

Allele frequency attached by ClinVar (database versions not stated): gnomAD exomes below 0.00001 and 0.00001; TOPMed below 0.00001; gnomAD 0.00001.

Submissions (2):

Natera, Inc.
Classification: Likely pathogenic for Carnitine deficiency. Last evaluated: 2025-09-11. Review status: criteria provided, single submitter. Criteria: Natera Variant Classification Schema (03/2026). Collection method: clinical testing. Allele origin: germline.
Comment: The c.1198C>T variant in SLC22A5 is a missense variant predicted to cause substitution of arginine to cysteine at amino acid 400. This variant is rare in the general population with a frequency below the threshold expected for the associated phenotype(s). This variant has been observed in one or more individuals affected with the associated recessive disease, as either homozygous or compound heterozygous with a second variant (PMID: 40069787, 32447334, 28771436). Computational prediction algorithms indicate this variant is likely to affect gene or protein function. Given the available evidence, this variant is classified as Likely Pathogenic.

Labcorp Genetics (formerly Invitae), Labcorp
Classification: Uncertain significance for Renal carnitine transport defect. Last evaluated: 2022-03-14. Review status: criteria provided, single submitter. Criteria: Invitae Variant Classification Sherloc (09022015). Collection method: clinical testing. Allele origin: germline.
Comment: This sequence change replaces arginine, which is basic and polar, with cysteine, which is neutral and slightly polar, at codon 400 of the SLC22A5 protein (p.Arg400Cys). This variant is present in population databases (no rsID available, gnomAD 0.004%). This variant has not been reported in the literature in individuals affected with SLC22A5-related conditions. Advanced modeling of protein sequence and biophysical properties (such as structural, functional, and spatial information, amino acid conservation, physicochemical variation, residue mobility, and thermodynamic stability) performed at Invitae indicates that this missense variant is expected to disrupt SLC22A5 protein function. In summary, the available evidence is currently insufficient to determine the role of this variant in disease. Therefore, it has been classified as a Variant of Uncertain Significance.

Literature cited by the submitters: PubMed 40069787 (cited by Natera, Inc.); PubMed 32447334 (cited by Natera, Inc.); PubMed 28771436 (cited by Natera, Inc.).

NM_003060.4(SLC22A5):c.1198C>T (p.Arg400Cys)

Gene: SLC22A5 (solute carrier family 22 member 5; plus strand). Cytogenetic location: 5q31.1.
Variant type: single nucleotide variant.
Coding change: c.1198C>T on transcript NM_003060.4 (MANE Select); coding-DNA position 1198, C replaced by T.
Protein change: p.Arg400Cys; replaces arginine 400 with cysteine.
Molecular consequence: missense variant.
Genome position (GRCh38, 1-based): chr5:132,390,835, C>T. VCF-style: chr5-132390835-C-T. GRCh37 (hg19) VCF-style: chr5-131726527-C-T.
Other names: c.1270C>T, p.Arg424Cys (NM_001308122.2); c.1198C>T (NM_003060.3); short protein forms R400C, R424C.
Identifiers: ClinVar variation 1423237 (VCV001423237.6), dbSNP rs1249681027, ClinGen allele CA360807727.